The following is an entry in ClinVar:

NM_001042492.3(NF1):c.4032A>G (p.Glu1344=)

Gene: NF1 (neurofibromin 1; plus strand). Cytogenetic location: 17q11.2.
Variant type: single nucleotide variant.
Coding change: c.4032A>G on transcript NM_001042492.3 (MANE Select); coding-DNA position 4032, A replaced by G.
Protein change: p.Glu1344=; no amino-acid change (glutamic acid 1344 retained).
Molecular consequence: synonymous variant.
Genome position (GRCh38, 1-based): chr17:31,249,041, A>G. VCF-style: chr17-31249041-A-G. GRCh37 (hg19) VCF-style: chr17-29576059-A-G.
Other names: c.4032A>G, p.Glu1344= (NM_000267.4).
Identifiers: ClinVar variation 480073 (VCV000480073.13), dbSNP rs1555617330, ClinGen allele CA499233077.

ClinVar aggregate classification (germline): Benign/Likely benign. Review status: criteria provided, multiple submitters, no conflicts (2 of 4 stars). 4 submissions from 4 submitters: Benign (1); Likely benign (3). Last evaluated 2026-09-29.

Conditions:
Cardiovascular phenotype. Identifiers: MedGen CN230736.
Hereditary cancer-predisposing syndrome. Also called: Tumor predisposition; Neoplastic Syndromes, Hereditary; Hereditary Cancer Syndrome; Hereditary neoplastic syndrome. Identifiers: Orphanet 140162, MedGen C0027672, MeSH D009386, MONDO:0015356.
Neurofibromatosis, type 1 (NF1). Also called: NEUROFIBROMATOSIS, TYPE I, SOMATIC; Peripheral type neurofibromatosis; VON RECKLINGHAUSEN DISEASE; Neurofibromatosis, type I. Identifiers: Orphanet 636, MedGen C0027831, MONDO:0018975, OMIM 162200. Disease mechanism: loss of function.

Allele frequency attached by ClinVar (database versions not stated): TOPMed 0.00001; gnomAD 0.00001.
gnomAD v4.1: 1 of 1,614,054 alleles (0.000062%); highest among the groups gnomAD compares: African/African-American, 0.0013%; no homozygotes.

Submissions (4):

Myriad Genetics, Inc.
Classification: Benign for Neurofibromatosis, type 1. Last evaluated: 2026-09-29. Review status: criteria provided, single submitter. Criteria: Myriad Autosomal Dominant, Autosomal Recessive and X-Linked Classification Criteria (2023). Collection method: clinical testing. Allele origin: unknown.
Comment: This variant is considered benign. This variant is a silent/synonymous amino acid change and it is not expected to impact splicing.

Labcorp Genetics (formerly Invitae), Labcorp
Classification: Likely benign for Neurofibromatosis, type 1. Last evaluated: 2025-08-20. Review status: criteria provided, single submitter. Criteria: Invitae Variant Classification Sherloc (09022015). Collection method: clinical testing. Allele origin: germline.

Genome-Nilou Lab
Classification: Likely benign for Neurofibromatosis, type 1. Last evaluated: 2022-03-15. Review status: criteria provided, single submitter. Criteria: ACMG Guidelines, 2015. Collection method: clinical testing. Allele origin: germline. Affected: no.

Ambry Genetics
Classification: Likely benign for Cardiovascular phenotype; Hereditary cancer-predisposing syndrome. Last evaluated: 2017-06-21. Review status: criteria provided, single submitter. Criteria: Ambry Variant Classification Scheme 2023. Collection method: clinical testing. Allele origin: germline.